The following is an entry in ClinVar:

ClinVar aggregate classification (germline): Uncertain significance (1 of 4 stars; one submission).

Submission:

Labcorp Genetics (formerly Invitae), Labcorp
Classification: Uncertain significance. Last evaluated: 2025-05-11. Review status: criteria provided, single submitter. Criteria: Invitae Variant Classification Sherloc (09022015). Collection method: clinical testing. Allele origin: germline.
Comment: This sequence change replaces alanine, which is neutral and non-polar, with threonine, which is neutral and polar, at codon 392 of the GABRB1 protein (p.Ala392Thr). This variant is not present in population databases (gnomAD no frequency). This variant has not been reported in the literature in individuals affected with GABRB1-related conditions. Invitae Evidence Modeling of protein sequence and biophysical properties (such as structural, functional, and spatial information, amino acid conservation, physicochemical variation, residue mobility, and thermodynamic stability) indicates that this missense variant is not expected to disrupt GABRB1 protein function with a negative predictive value of 95%. In summary, the available evidence is currently insufficient to determine the role of this variant in disease. Therefore, it has been classified as a Variant of Uncertain Significance.

NM_000812.4(GABRB1):c.1174G>A (p.Ala392Thr)

Gene: GABRB1 (gamma-aminobutyric acid type A receptor subunit beta1; plus strand). Cytogenetic location: 4p12.
Variant type: single nucleotide variant.
Coding change: c.1174G>A on transcript NM_000812.4 (MANE Select); coding-DNA position 1174, G replaced by A.
Protein change: p.Ala392Thr; replaces alanine 392 with threonine.
Molecular consequence: missense variant.
Genome position (GRCh38, 1-based): chr4:47,425,767, G>A. VCF-style: chr4-47425767-G-A. GRCh37 (hg19) VCF-style: chr4-47427784-G-A.
Other names: short protein forms A392T.
Identifiers: ClinVar variation 4802698 (VCV004802698.1).
Genomic context (GRCh38, chr4:47,425,767, plus strand): 5'-CTGGAAATCCGGAATGAGACGAGTGGCTCGGAAGTGCTCACGAGCGTGAGCGACCCCAAG[G>A]CCACCATGTACTCCTATGACAGCGCCAGCATCCAGTACCGCAAGCCCCTGAGCAGCCGCG-3'
Protein context (NP_000803.2, residues 382-402): EVLTSVSDPK[Ala392Thr]TMYSYDSASI